The following is an entry in ClinVar:

ClinVar aggregate classification (germline): Uncertain significance (1 of 4 stars; one submission).

Conditions:
Hyperammonemic encephalopathy due to carbonic anhydrase VA deficiency. Also called: Carbonic Anhydrase VA Deficiency; Carbonic anhydrase VA deficiency, hyperammonemia due to. Identifiers: Orphanet 401948, MedGen C4706871, MONDO:0014332, OMIM 615751.

gnomAD v4.1: 9 of 1,613,940 alleles (0.00056%); highest among the groups gnomAD compares: Non-Finnish European, 0.00076%; no homozygotes.

Submission:

Labcorp Genetics (formerly Invitae), Labcorp
Classification: Uncertain significance for Hyperammonemic encephalopathy due to carbonic anhydrase VA deficiency. Last evaluated: 2024-04-04. Review status: criteria provided, single submitter. Criteria: Invitae Variant Classification Sherloc (09022015). Collection method: clinical testing. Allele origin: germline.
Comment: This sequence change affects codon 15 of the CA5A mRNA. It is a 'silent' change, meaning that it does not change the encoded amino acid sequence of the CA5A protein. This variant is not present in population databases (gnomAD no frequency). This variant has not been reported in the literature in individuals affected with CA5A-related conditions. Algorithms developed to predict the effect of sequence changes on RNA splicing suggest that this variant may disrupt the consensus splice site. In summary, the available evidence is currently insufficient to determine the role of this variant in disease. Therefore, it has been classified as a Variant of Uncertain Significance.

NM_001739.2(CA5A):c.45G>A (p.Leu15=)

Gene: CA5A (carbonic anhydrase 5A; minus strand). Cytogenetic location: 16q24.2.
Variant type: single nucleotide variant.
Coding change: c.45G>A on transcript NM_001739.2 (MANE Select); coding-DNA position 45, G replaced by A.
Protein change: p.Leu15=; no amino-acid change (leucine 15 retained).
Molecular consequence: synonymous variant. On other transcripts: non-coding transcript variant (2).
Genome position (GRCh38, 1-based): chr16:87,936,406, C>T on the plus strand (G>A on the coding strand, the complement: CA5A is on the minus strand). VCF-style: chr16-87936406-C-T. GRCh37 (hg19) VCF-style: chr16-87970012-C-T.
Other names: c.45G>A, p.Leu15= (NM_001367225.1).
Identifiers: ClinVar variation 3654038 (VCV003654038.2).